The following is an entry in ClinVar:

ClinVar aggregate classification (germline): Uncertain significance. Review status: criteria provided, single submitter (1 of 4 stars). 2 submissions from 2 submitters: Uncertain significance (1). 1 of the submissions does not count toward it. Last evaluated 2021-06-23.

Conditions:
DLG5-related disorder. Also called: DLG5-related condition.

Allele frequency attached by ClinVar (database versions not stated): 1000 Genomes Project 30x 0.00016; 1000 Genomes Project 0.00020; gnomAD exomes 0.00036; gnomAD 0.00040; TOPMed 0.00048; ExAC 0.00056; ESP Exome Variant Server 0.00069.
gnomAD v4.1: 617 of 1,603,762 alleles (0.038%); highest among the groups gnomAD compares: Middle Eastern, 1.4%; no homozygotes.

Submissions (2):

Ambry Genetics
Classification: Uncertain significance. Last evaluated: 2021-06-23. Review status: criteria provided, single submitter. Criteria: Ambry Variant Classification Scheme 2023. Collection method: clinical testing. Allele origin: germline.

PreventionGenetics, part of Exact Sciences
Classification: Likely benign for DLG5-related condition. Last evaluated: 2024-04-19. Review status: no assertion criteria provided. Collection method: clinical testing. Allele origin: germline. Not counted in ClinVar's aggregate classification.
Comment: This variant is classified as likely benign based on ACMG/AMP sequence variant interpretation guidelines (Richards et al. 2015 PMID: 25741868, with internal and published modifications).

NM_004747.4(DLG5):c.1142A>G (p.His381Arg)

Gene: DLG5 (discs large MAGUK scaffold protein 5; minus strand). Cytogenetic location: 10q22.3.
Variant type: single nucleotide variant.
Coding change: c.1142A>G on transcript NM_004747.4 (MANE Select); coding-DNA position 1142, A replaced by G.
Protein change: p.His381Arg; replaces histidine 381 with arginine.
Molecular consequence: missense variant.
Genome position (GRCh38, 1-based): chr10:77,842,176, T>C on the plus strand (A>G on the coding strand, the complement: DLG5 is on the minus strand). VCF-style: chr10-77842176-T-C. GRCh37 (hg19) VCF-style: chr10-79601934-T-C.
Other names: short protein forms H381R.
Identifiers: ClinVar variation 2354427 (VCV002354427.3), dbSNP rs150885638, ClinGen allele CA5570215.